The following is an entry in ClinVar:

NM_002392.6(MDM2):c.91G>C (p.Glu31Gln)

Genes: MDM2 (MDM2 proto-oncogene; plus strand), LOC126861563 (CDK7 strongly-dependent group 2 enhancer GRCh37_chr12:69202246-69203445; plus strand). Cytogenetic location: 12q15.
Variant type: single nucleotide variant.
Coding change: c.91G>C on transcript NM_002392.6 (MANE Select); coding-DNA position 91, G replaced by C.
Protein change: p.Glu31Gln; replaces glutamic acid 31 with glutamine.
Molecular consequence: missense variant.
Genome position (GRCh38, 1-based): chr12:68,809,284, G>C. VCF-style: chr12-68809284-G-C. GRCh37 (hg19) VCF-style: chr12-69203064-G-C.
Other names: c.91G>C (NM_002392.3); c.73G>C, p.Glu25Gln (NM_001145337.3, NM_001145340.3, NM_001278462.2 and 1 more transcripts); c.91G>C, p.Glu31Gln (NM_001145339.2); short protein forms E25Q, E31Q.
Identifiers: ClinVar variation 1358762 (VCV001358762.9), dbSNP rs1246173207, ClinGen allele CA385703000.

ClinVar aggregate classification (germline): Uncertain significance. Review status: criteria provided, multiple submitters, no conflicts (2 of 4 stars). 2 submissions from 2 submitters: Uncertain significance (2). Last evaluated 2024-03-31.

Conditions:
Accelerated tumor formation, susceptibility to (ACTFS). Identifiers: MedGen C3280690, OMIM 614401, MONDO:0013733.

Allele frequency attached by ClinVar (database versions not stated): gnomAD 0.00001; TOPMed 0.00001.
gnomAD v4.1: 1 of 1,613,838 alleles (0.000062%); highest among the groups gnomAD compares: Admixed American, 0.0017%; no homozygotes.

Submissions (2):

Ambry Genetics
Classification: Uncertain significance. Last evaluated: 2024-03-31. Review status: criteria provided, single submitter. Criteria: Ambry Variant Classification Scheme 2023. Collection method: clinical testing. Allele origin: germline.

Labcorp Genetics (formerly Invitae), Labcorp
Classification: Uncertain significance for Accelerated tumor formation, susceptibility to. Last evaluated: 2024-02-17. Review status: criteria provided, single submitter. Criteria: Invitae Variant Classification Sherloc (09022015). Collection method: clinical testing. Allele origin: germline.
Comment: This sequence change replaces glutamic acid, which is acidic and polar, with glutamine, which is neutral and polar, at codon 31 of the MDM2 protein (p.Glu31Gln). This variant is not present in population databases (gnomAD no frequency). This variant has not been reported in the literature in individuals affected with MDM2-related conditions. ClinVar contains an entry for this variant (Variation ID: 1358762). An algorithm developed to predict the effect of missense changes on protein structure and function (PolyPhen-2) suggests that this variant is likely to be disruptive. In summary, the available evidence is currently insufficient to determine the role of this variant in disease. Therefore, it has been classified as a Variant of Uncertain Significance.